The following is an entry in ClinVar:

NM_020435.4(GJC2):c.1228G>A (p.Gly410Ser)

Gene: GJC2 (gap junction protein gamma 2; plus strand). Cytogenetic location: 1q42.13.
Variant type: single nucleotide variant.
Coding change: c.1228G>A on transcript NM_020435.4 (MANE Select); coding-DNA position 1228, G replaced by A.
Protein change: p.Gly410Ser; replaces glycine 410 with serine.
Molecular consequence: missense variant.
Genome position (GRCh38, 1-based): chr1:228,158,986, G>A. VCF-style: chr1-228158986-G-A. GRCh37 (hg19) VCF-style: chr1-228346687-G-A.
Other names: c.1228G>A (NM_020435.3); short protein forms G410S.
Identifiers: ClinVar variation 1298457 (VCV001298457.41), dbSNP rs780938071, ClinGen allele CA1430970.
Genomic context (GRCh38, chr1:228,158,986, plus strand): 5'-CCCGCGTCCCGGACGGGCAGTGCTACCTCTGCGGGCACTGTCGGGGAGCAGGGCCGGCCC[G>A]GCACCCACGAGCGGCCAGGAGCCAAGCCCAGGGCTGGCTCCGAGAAGGGCAGTGCCAGCA-3'
Protein context (NP_065168.2, residues 400-420): AGTVGEQGRP[Gly410Ser]THERPGAKPR

ClinVar aggregate classification (germline): Uncertain significance. Review status: criteria provided, multiple submitters, no conflicts (2 of 4 stars). 3 submissions from 3 submitters: Uncertain significance (3). Last evaluated 2025-08-18.

Conditions:
Spastic paraplegia. Identifiers: MedGen C0037772, HP:0001258.
Inborn genetic diseases. Identifiers: MedGen C0950123, MeSH D030342.

Allele frequency attached by ClinVar (database versions not stated): gnomAD 0.00001; gnomAD exomes 0.00002 and 0.00008; TOPMed 0.00002; ExAC 0.00008.
gnomAD v4.1: 35 of 1,602,970 alleles (0.0022%); highest among the groups gnomAD compares: Admixed American, 0.025%; 1 homozygote.

Submissions (3):

Labcorp Genetics (formerly Invitae), Labcorp
Classification: Uncertain significance for Spastic paraplegia. Last evaluated: 2025-08-18. Review status: criteria provided, single submitter. Criteria: Invitae Variant Classification Sherloc (09022015). Collection method: clinical testing. Allele origin: germline.
Comment: This sequence change replaces glycine, which is neutral and non-polar, with serine, which is neutral and polar, at codon 410 of the GJC2 protein (p.Gly410Ser). This variant is present in population databases (rs780938071, gnomAD 0.04%). This variant has not been reported in the literature in individuals affected with GJC2-related conditions. ClinVar contains an entry for this variant (Variation ID: 1298457). Invitae Evidence Modeling of protein sequence and biophysical properties (such as structural, functional, and spatial information, amino acid conservation, physicochemical variation, residue mobility, and thermodynamic stability) has been performed for this missense variant. However, the output from this modeling did not meet the statistical confidence thresholds required to predict the impact of this variant on GJC2 protein function. In summary, the available evidence is currently insufficient to determine the role of this variant in disease. Therefore, it has been classified as a Variant of Uncertain Significance.

Ambry Genetics
Classification: Uncertain significance for Inborn genetic diseases. Last evaluated: 2021-07-13. Review status: criteria provided, single submitter. Criteria: Ambry Variant Classification Scheme 2023. Collection method: clinical testing. Allele origin: germline.

CeGaT Center for Human Genetics Tuebingen
Classification: Uncertain significance. Last evaluated: 2021-07-01. Review status: criteria provided, single submitter. Criteria: CeGaT Center For Human Genetics Tuebingen Variant Classification Criteria Version 2. Collection method: clinical testing. Allele origin: germline. Affected: yes. Observed: 1 variant allele.